The following is an entry in ClinVar:

ClinVar aggregate classification (germline): Likely benign (1 of 4 stars; one submission).

Conditions:
TCTN3-related disorder. Also called: TCTN3-related condition.

Submission:

PreventionGenetics, part of Exact Sciences
Classification: Likely benign for TCTN3-related condition. Last evaluated: 2026-04-22. Review status: criteria provided, single submitter. Criteria: ACMG Guidelines, 2015. Collection method: clinical testing. Allele origin: germline.
Comment: This variant is classified as likely benign based on ACMG/AMP sequence variant interpretation guidelines (Richards et al. 2015 PMID: 25741868, with internal and published modifications).

NM_015631.6(TCTN3):c.294C>T (p.Ala98=)

Gene: TCTN3 (tectonic family member 3; minus strand). Cytogenetic location: 10q24.1.
Variant type: single nucleotide variant.
Coding change: c.294C>T on transcript NM_015631.6 (MANE Select); coding-DNA position 294, C replaced by T.
Protein change: p.Ala98=; no amino-acid change (alanine 98 retained).
Molecular consequence: synonymous variant.
Genome position (GRCh38, 1-based): chr10:95,693,439, G>A on the plus strand (C>T on the coding strand, the complement: TCTN3 is on the minus strand). VCF-style: chr10-95693439-G-A. GRCh37 (hg19) VCF-style: chr10-97453196-G-A.
Other names: c.294C>T, p.Ala98= (NM_001143973.2, NM_001410982.1).
Identifiers: ClinVar variation 4996215 (VCV004996215.1).